The following is an entry in ClinVar:

ClinVar aggregate classification (germline): Likely benign. Review status: criteria provided, multiple submitters, no conflicts (2 of 4 stars). 3 submissions from 3 submitters: Likely benign (3). Last evaluated 2025-09-21.

Allele frequency attached by ClinVar (database versions not stated): TOPMed 0.00001; gnomAD 0.00002; gnomAD exomes 0.00003 and 0.00006; ExAC 0.00006.
gnomAD v4.1: 51 of 1,613,886 alleles (0.0032%); highest among the groups gnomAD compares: Middle Eastern, 0.033%; no homozygotes.

Submissions (3):

Labcorp Genetics (formerly Invitae), Labcorp
Classification: Likely benign. Last evaluated: 2025-09-21. Review status: criteria provided, single submitter. Criteria: Invitae Variant Classification Sherloc (09022015). Collection method: clinical testing. Allele origin: germline.

Mayo Clinic Laboratories, Mayo Clinic
Classification: Likely benign. Last evaluated: 2025-09-06. Review status: criteria provided, single submitter. Criteria: ACMG Guidelines, 2015. Collection method: clinical testing. Allele origin: germline. Observed: 1 variant allele.
Comment: BP4, BP7

Blueprint Genetics
Classification: Likely benign. Last evaluated: 2024-07-22. Review status: criteria provided, single submitter. Criteria: ACMG Guidelines, 2015. Collection method: clinical testing. Allele origin: germline.

NM_007055.4(POLR3A):c.3699G>A (p.Arg1233=)

Gene: POLR3A (RNA polymerase III subunit A; minus strand). Cytogenetic location: 10q22.3.
Variant type: single nucleotide variant.
Coding change: c.3699G>A on transcript NM_007055.4 (MANE Select); coding-DNA position 3699, G replaced by A.
Protein change: p.Arg1233=; no amino-acid change (arginine 1233 retained).
Molecular consequence: synonymous variant.
Genome position (GRCh38, 1-based): chr10:77,982,214, C>T on the plus strand (G>A on the coding strand, the complement: POLR3A is on the minus strand). VCF-style: chr10-77982214-C-T. GRCh37 (hg19) VCF-style: chr10-79741972-C-T.
Other names: p.Arg1233=.
Identifiers: ClinVar variation 1602050 (VCV001602050.10), dbSNP rs202013193, ClinGen allele CA5570747.